The following is an entry in ClinVar:

NM_015909.4(NBAS):c.2200C>T (p.Gln734Ter)

Gene: NBAS (NBAS subunit of NRZ tethering complex; minus strand). Cytogenetic location: 2p24.3.
Variant type: single nucleotide variant.
Coding change: c.2200C>T on transcript NM_015909.4 (MANE Select); coding-DNA position 2200, C replaced by T.
Protein change: p.Gln734Ter; replaces glutamine 734 with a stop codon.
Molecular consequence: nonsense. On other transcripts: non-coding transcript variant (1).
Genome position (GRCh38, 1-based): chr2:15,461,689, G>A on the plus strand (C>T on the coding strand, the complement: NBAS is on the minus strand). VCF-style: chr2-15461689-G-A. GRCh37 (hg19) VCF-style: chr2-15601813-G-A.
Other names: short protein forms Q734*.
Identifiers: ClinVar variation 2039915 (VCV002039915.4), dbSNP rs2528078602, ClinGen allele CA345881053.

ClinVar aggregate classification (germline): Pathogenic (1 of 4 stars; one submission).

gnomAD v4.1: 1 of 1,555,856 alleles (0.000064%); highest among the groups gnomAD compares: Non-Finnish European, 0.000089%; no homozygotes.

Submission:

Labcorp Genetics (formerly Invitae), Labcorp
Classification: Pathogenic. Last evaluated: 2022-03-28. Review status: criteria provided, single submitter. Criteria: Invitae Variant Classification Sherloc (09022015). Collection method: clinical testing. Allele origin: germline.
Comment: For these reasons, this variant has been classified as Pathogenic. This variant has not been reported in the literature in individuals affected with NBAS-related conditions. This variant is not present in population databases (gnomAD no frequency). This sequence change creates a premature translational stop signal (p.Gln734*) in the NBAS gene. It is expected to result in an absent or disrupted protein product. Loss-of-function variants in NBAS are known to be pathogenic (PMID: 26073778, 26541327, 27789416, 28031453).

Literature cited by the submitters: PubMed 26073778; PubMed 26541327; PubMed 27789416; PubMed 28031453.